The following continues an entry in ClinVar:

NM_007294.4(BRCA1):c.3640G>T (p.Glu1214Ter)

ClinVar aggregate classification (germline): Pathogenic. Pathogenic (1).

Submissions 9 to 20 of 20:

Quest Diagnostics Nichols Institute San Juan Capistrano
Classification: Pathogenic. Last evaluated: 2018-03-23. Review status: criteria provided, single submitter. Criteria: Quest Diagnostics criteria. Collection method: clinical testing. Allele origin: germline. Not counted in ClinVar's aggregate classification.

Consortium of Investigators of Modifiers of BRCA1/2 (CIMBA), c/o University of Cambridge
Classification: Pathogenic for Breast-ovarian cancer, familial, susceptibility to, 1. Last evaluated: 2015-10-02. Review status: criteria provided, single submitter. Criteria: CIMBA Mutation Classification guidelines May 2016. Collection method: clinical testing. Allele origin: germline. Not counted in ClinVar's aggregate classification.

Clinical Genetics DNA and cytogenetics Diagnostics Lab, Erasmus MC, Erasmus Medical Center
Classification: Pathogenic for Breast-ovarian cancer, familial, susceptibility to, 1. Last evaluated: 2015-09-21. Review status: criteria provided, single submitter. Criteria: ACGS Guidelines, 2013. Collection method: clinical testing. Allele origin: germline. Affected: yes. Study: VKGL Data-share Consensus. Not counted in ClinVar's aggregate classification.

Clinical and Functional Genomics Group, A.C.Camargo Cancer Center
Classification: Pathogenic for Breast Cancer. Review status: criteria provided, single submitter. Criteria: Silva et al. (BMC Med Genet. 2014). Collection method: research. Allele origin: germline. Affected: yes. Not counted in ClinVar's aggregate classification.

Genesis Genomics
Classification: Pathogenic for Breast-ovarian cancer, familial, susceptibility to, 1. Review status: criteria provided, single submitter. Criteria: ACMG Guidelines, 2015. Collection method: clinical testing. Allele origin: germline. Affected: yes. Observed: 1 variant allele. Not counted in ClinVar's aggregate classification.

Juno Genomics, Hangzhou Juno Genomics, Inc
Classification: Pathogenic for Breast-ovarian cancer, familial, susceptibility to, 1; Pancreatic cancer, susceptibility to, 4; Fanconi anemia, complementation group S. Review status: criteria provided, single submitter. Criteria: ACMG Guidelines, 2015. Collection method: clinical testing. Allele origin: germline. Not counted in ClinVar's aggregate classification.
Comment: Absent from controls (or at extremely low frequency if recessive) in Genome Aggregation Database.;Null variant in a gene where loss of function (LOF) is a known mechanism of disease.;The prevalence of the variant in affected individuals is significantly increased compared to the prevalence in controls.

Laboratory for Genotyping Development, RIKEN
Classification: Pathogenic for Gastric cancer. Last evaluated: 2021-07-01. Review status: no assertion criteria provided. Collection method: research. Allele origin: germline. Not counted in ClinVar's aggregate classification.

CZECANCA consortium
Classification: Pathogenic for Breast and/or ovarian cancer. Last evaluated: 2019-06-11. Review status: no assertion criteria provided. Collection method: clinical testing. Allele origin: germline. Affected: yes. Observed: 1 variant allele. Not counted in ClinVar's aggregate classification.

Counsyl
Classification: Likely pathogenic for Breast-ovarian cancer, familial 1. Last evaluated: 2014-12-05. Review status: no assertion criteria provided. Collection method: literature only. Allele origin: unknown. Inheritance: Autosomal dominant inheritance. Not counted in ClinVar's aggregate classification.

Breast Cancer Information Core (BIC) (BRCA1)
Classification: Pathogenic for Breast-ovarian cancer, familial 1. Last evaluated: 2004-02-20. Review status: no assertion criteria provided. Collection method: clinical testing. Allele origin: germline. Affected: yes. Observed: 4 variant alleles. Not counted in ClinVar's aggregate classification.

Diagnostic Laboratory, Department of Genetics, University Medical Center Groningen
Classification: Pathogenic for Breast-ovarian cancer, familial, susceptibility to, 1. Review status: no assertion criteria provided. Collection method: clinical testing. Allele origin: germline. Affected: yes. Study: VKGL Data-share Consensus. Not counted in ClinVar's aggregate classification.

Joint Genome Diagnostic Labs from Nijmegen and Maastricht, Radboudumc and MUMC+
Classification: Pathogenic. Review status: no assertion criteria provided. Collection method: clinical testing. Allele origin: germline. Affected: yes. Study: VKGL Data-share Consensus. Not counted in ClinVar's aggregate classification.

Literature cited by the submitters: PubMed 8723683 (cited by Ambry Genetics and Women's Health and Genetics/Laboratory Corporation of America, LabCorp); PubMed 9150151 (cited by 5 submitters); PubMed 9197534 (cited by Ambry Genetics); PubMed 22776961 (cited by Ambry Genetics and Women's Health and Genetics/Laboratory Corporation of America, LabCorp); PubMed 24719479 (cited by 5 submitters); PubMed 24884479 (cited by Ambry Genetics and Counsyl); PubMed 20104584 (cited by Labcorp Genetics (formerly Invitae), Labcorp); PubMed 16683254 (cited by Labcorp Genetics (formerly Invitae), Labcorp and Women's Health and Genetics/Laboratory Corporation of America, LabCorp); PubMed 26848529 (cited by Labcorp Genetics (formerly Invitae), Labcorp); PubMed 19370767 (cited by Women's Health and Genetics/Laboratory Corporation of America, LabCorp); PubMed 17851763 (cited by Women's Health and Genetics/Laboratory Corporation of America, LabCorp); PubMed 16267036 (cited by Women's Health and Genetics/Laboratory Corporation of America, LabCorp); PubMed 11506493 (cited by Women's Health and Genetics/Laboratory Corporation of America, LabCorp); PubMed 11149425 (cited by Women's Health and Genetics/Laboratory Corporation of America, LabCorp); PubMed 23469205 (cited by Clinical and Functional Genomics Group, A.C.Camargo Cancer Center); PubMed 36988593 (cited by Laboratory for Genotyping Development, RIKEN); PubMed 32295079 (cited by CZECANCA consortium); PubMed 11597388 (cited by Counsyl); PubMed 11595708 (cited by Counsyl); PubMed 24249303 (cited by Counsyl).